The following is an entry in ClinVar:

ClinVar aggregate classification (germline): Uncertain significance (1 of 4 stars; one submission).

Conditions:
Primary ciliary dyskinesia 6. Also called: Primary Ciliary Dyskinesia 6: TXNDC3-Related Primary Ciliary Dyskinesia. Identifiers: Orphanet 244, MedGen C1970506, MONDO:0012571, OMIM 610852.

Allele frequency attached by ClinVar (database versions not stated): ExAC 0.00002; gnomAD 0.00002; 1000 Genomes Project 0.00040; 1000 Genomes Project 30x 0.00047.
gnomAD v4.1: 78 of 1,613,432 alleles (0.0048%); highest among the groups gnomAD compares: Non-Finnish European, 0.0061%; no homozygotes.

Submission:

Labcorp Genetics (formerly Invitae), Labcorp
Classification: Uncertain significance for Primary ciliary dyskinesia 6. Last evaluated: 2023-11-03. Review status: criteria provided, single submitter. Criteria: Invitae Variant Classification Sherloc (09022015). Collection method: clinical testing. Allele origin: germline.
Comment: This sequence change replaces alanine, which is neutral and non-polar, with valine, which is neutral and non-polar, at codon 422 of the NME8 protein (p.Ala422Val). This variant is present in population databases (rs117675957, gnomAD 0.006%). This variant has not been reported in the literature in individuals affected with NME8-related conditions. Advanced modeling of protein sequence and biophysical properties (such as structural, functional, and spatial information, amino acid conservation, physicochemical variation, residue mobility, and thermodynamic stability) has been performed at Invitae for this missense variant, however the output from this modeling did not meet the statistical confidence thresholds required to predict the impact of this variant on NME8 protein function. In summary, the available evidence is currently insufficient to determine the role of this variant in disease. Therefore, it has been classified as a Variant of Uncertain Significance.

NM_016616.5(NME8):c.1265C>T (p.Ala422Val)

Gene: NME8 (NME/NM23 family member 8; plus strand). Cytogenetic location: 7p14.1.
Variant type: single nucleotide variant.
Coding change: c.1265C>T on transcript NM_016616.5 (MANE Select); coding-DNA position 1265, C replaced by T.
Protein change: p.Ala422Val; replaces alanine 422 with valine.
Molecular consequence: missense variant.
Genome position (GRCh38, 1-based): chr7:37,888,294, C>T. VCF-style: chr7-37888294-C-T. GRCh37 (hg19) VCF-style: chr7-37927896-C-T.
Other names: short protein forms A422V.
Identifiers: ClinVar variation 2719194 (VCV002719194.3), dbSNP rs117675957, ClinGen allele CA4222485.